The following is an entry in ClinVar:

NM_005257.6(GATA6):c.1529A>G (p.Asn510Ser)

Gene: GATA6 (GATA binding protein 6; plus strand). Cytogenetic location: 18q11.2.
Variant type: single nucleotide variant.
Coding change: c.1529A>G on transcript NM_005257.6 (MANE Select); coding-DNA position 1529, A replaced by G.
Protein change: p.Asn510Ser; replaces asparagine 510 with serine.
Molecular consequence: missense variant.
Genome position (GRCh38, 1-based): chr18:22,182,952, A>G. VCF-style: chr18-22182952-A-G. GRCh37 (hg19) VCF-style: chr18-19762913-A-G.
Other names: short protein forms N510S.
Identifiers: ClinVar variation 2197382 (VCV002197382.4), dbSNP rs2033216974, ClinGen allele CA401802801.

ClinVar aggregate classification (germline): Uncertain significance (1 of 4 stars; one submission).

Conditions:
Atrioventricular septal defect 5 (AVSD5). Identifiers: MedGen C3280939, MONDO:0013769, OMIM 614474.

Allele frequency attached by ClinVar (database versions not stated): gnomAD exomes below 0.00001; TOPMed below 0.00001.
gnomAD v4.1: 1 of 1,613,844 alleles (0.000062%); highest among the groups gnomAD compares: Admixed American, 0.0017%; no homozygotes.

Submission:

Labcorp Genetics (formerly Invitae), Labcorp
Classification: Uncertain significance for Atrioventricular septal defect 5. Last evaluated: 2023-04-25. Review status: criteria provided, single submitter. Criteria: Invitae Variant Classification Sherloc (09022015). Collection method: clinical testing. Allele origin: germline.
Comment: In summary, the available evidence is currently insufficient to determine the role of this variant in disease. Therefore, it has been classified as a Variant of Uncertain Significance. Advanced modeling of protein sequence and biophysical properties (such as structural, functional, and spatial information, amino acid conservation, physicochemical variation, residue mobility, and thermodynamic stability) performed at Invitae indicates that this missense variant is not expected to disrupt GATA6 protein function. ClinVar contains an entry for this variant (Variation ID: 2197382). This variant has not been reported in the literature in individuals affected with GATA6-related conditions. This variant is not present in population databases (gnomAD no frequency). This sequence change replaces asparagine, which is neutral and polar, with serine, which is neutral and polar, at codon 510 of the GATA6 protein (p.Asn510Ser).